The following is an entry in ClinVar:

ClinVar aggregate classification (germline): Pathogenic (1 of 4 stars; one submission).

Conditions:
Hereditary breast ovarian cancer syndrome. Also called: Hereditary breast and ovarian cancer syndrome; Hereditary breast and/or ovarian cancer syndrome; Hereditary breast and ovarian cancer syndrome (HBOC); Breast and ovarian cancer; BRCA1- and BRCA2-Associated Hereditary Breast and Ovarian Cancer; Hereditary breast and ovarian cancer. Identifiers: Orphanet 145, MedGen C0677776, MeSH D061325, MONDO:0003582. Disease mechanism: loss of function.

Submission:

Labcorp Genetics (formerly Invitae), Labcorp
Classification: Pathogenic for Hereditary breast and ovarian cancer syndrome. Last evaluated: 2019-05-29. Review status: criteria provided, single submitter. Criteria: Invitae Variant Classification Sherloc (09022015). Collection method: clinical testing. Allele origin: germline.
Comment: This variant is a gross deletion of the genomic region encompassing exons 20-23 of the BRCA1 gene. The 5' boundary is likely confined to intron 19. The 3' end of this event is unknown as it extends through the termination codon beyond the assayed region for this gene and may encompass additional genes. Deletions encompassing exons 20-23, which in the literature are also known as deletions of exons 21-24, have been reported in individuals affected with breast and ovarian cancer (PMID: 16551709, 22544547, 20232141, 17688236). While this deletion is not anticipated to result in nonsense mediated decay, it is expected to result in the loss of amino acids Ile1760-Tyr1863 of the BRCA1 protein, including the translational stop codon, thereby truncating the C-terminal BRCT domain (PMID: 22843421). For these reasons, this variant has been classified as Pathogenic.

Literature cited by the submitters: PubMed 22544547; PubMed 22843421; PubMed 20232141; PubMed 17688236; PubMed 16551709.

NC_000017.11:g.(?_43045658)_(43051137_?)del

Gene: BRCA1 (BRCA1 DNA repair associated; minus strand). Cytogenetic location: 17q21.31.
Variant type: Deletion.
Identifiers: ClinVar variation 583614 (VCV000583614.3).